The following is an entry in ClinVar:

NM_000038.6(APC):c.2477_2500delinsCA (p.Leu826fs)

Gene: APC (APC regulator of Wnt signaling pathway; plus strand). Cytogenetic location: 5q22.2.
Variant type: Indel.
Coding change: c.2477_2500delinsCA on transcript NM_000038.6 (MANE Select); coding-DNA positions 2477 to 2500, TGAATACTACAGTGTTACCCAGCT replaced by CA.
Protein change: p.Leu826fs; shifts the reading frame from leucine 826.
Molecular consequence: frameshift variant. On other transcripts: non-coding transcript variant (2).
Genome position (GRCh38, 1-based): chr5:112,838,071-112,838,094, TGAATACTACAGTGTTACCCAGCT replaced by CA. VCF-style: chr5-112838071-TGAATACTACAGTGTTACCCAGCT-CA. GRCh37 (hg19) VCF-style: chr5-112173768-TGAATACTACAGTGTTACCCAGCT-CA.
Other names: c.2477_2500delinsCA, p.Leu826fs (NM_001127510.3, NM_001354895.2, NM_001407450.1); c.2423_2446delinsCA, p.Leu808fs (NM_001127511.3); c.2531_2554delinsCA, p.Leu844fs (NM_001354896.2, NM_001407447.1, NM_001407448.1 and 1 more transcripts); c.2507_2530delinsCA, p.Leu836fs (NM_001354897.2); c.2402_2425delinsCA, p.Leu801fs (NM_001354898.2); c.2393_2416delinsCA, p.Leu798fs (NM_001354899.2); c.2354_2377delinsCA, p.Leu785fs (NM_001354900.2); c.2300_2323delinsCA, p.Leu767fs (NM_001354901.2, NM_001407453.1); and 11 more; short protein forms L442fs, L697fs, L826fs, L844fs, L854fs, L700fs, L725fs, L743fs.
Identifiers: ClinVar variation 2567019 (VCV002567019.2), dbSNP rs2533424901, ClinGen allele CA2580613633.

ClinVar aggregate classification (germline): Pathogenic (1 of 4 stars; one submission).

Conditions:
Hereditary cancer-predisposing syndrome. Also called: Hereditary neoplastic syndrome; Hereditary Cancer Syndrome; Neoplastic Syndromes, Hereditary; Tumor predisposition. Identifiers: Orphanet 140162, MedGen C0027672, MeSH D009386, MONDO:0015356.

Submission:

Ambry Genetics
Classification: Pathogenic for Hereditary cancer-predisposing syndrome. Last evaluated: 2023-05-16. Review status: criteria provided, single submitter. Criteria: Ambry Variant Classification Scheme 2023. Collection method: clinical testing. Allele origin: germline.
Comment: The c.2477_2500del24insCA pathogenic mutation, located in coding exon 15 of the APC gene, results from the deletion of 24 nucleotides and insertion of two nucleotides causing a translational frameshift with a predicted alternate stop codon (p.L826Sfs*9). This alteration occurs at the 3' terminus of the APC gene, is not expected to trigger nonsense-mediated mRNA decay, and impacts the last 71% of the protein. However, premature stop codons are typically deleterious in nature and the impacted region is critical for protein function (Ambry internal data). This alteration has been observed in at least one individual with a personal and/or family history that is consistent with APC-related disease (Ambry internal data). This variant is considered to be rare based on population cohorts in the Genome Aggregation Database (gnomAD). Based on the supporting evidence, this alteration is interpreted as a disease-causing mutation.